The following is an entry in ClinVar:

NM_001122681.2(SH3BP2):c.1160C>G (p.Ala387Gly)

Gene: SH3BP2 (SH3 domain binding protein 2; plus strand). Cytogenetic location: 4p16.3.
Variant type: single nucleotide variant.
Coding change: c.1160C>G on transcript NM_001122681.2 (MANE Select); coding-DNA position 1160, C replaced by G.
Protein change: p.Ala387Gly; replaces alanine 387 with glycine.
Molecular consequence: missense variant.
Genome position (GRCh38, 1-based): chr4:2,830,066, C>G. VCF-style: chr4-2830066-C-G. GRCh37 (hg19) VCF-style: chr4-2831793-C-G.
Other names: c.1160C>G, p.Ala387Gly (NM_003023.4); c.1244C>G, p.Ala415Gly (NM_001145855.2); c.1331C>G, p.Ala444Gly (NM_001145856.2); short protein forms A415G, A444G, A387G.
Identifiers: ClinVar variation 3658044 (VCV003658044.2).
Genomic context (GRCh38, chr4:2,830,066, plus strand): 5'-CCCCAAGGGAGGCAGCCATGCCCGGACTCTTTGTGCCCCCCGTGGCTCCCCGGCCTCCTG[C>G]GCTGAAGCTGCCAGTGCCTGAGGCCATGGCGCGGCCCGCAGTCCTGCCCAGGCCAGAGAA-3'
Protein context (NP_001116153.1, residues 377-397): FVPPVAPRPP[Ala387Gly]LKLPVPEAMA

ClinVar aggregate classification (germline): Uncertain significance (1 of 4 stars; one submission).

Conditions:
Fibrous dysplasia of jaw (CRBM). Also called: Cherubism. Identifiers: Orphanet 184, MedGen C0008029, MONDO:0007315, OMIM 118400.

gnomAD v4.1: 1 of 1,611,148 alleles (0.000062%); no homozygotes.

Submission:

Labcorp Genetics (formerly Invitae), Labcorp
Classification: Uncertain significance for Fibrous dysplasia of jaw. Last evaluated: 2024-06-26. Review status: criteria provided, single submitter. Criteria: Invitae Variant Classification Sherloc (09022015). Collection method: clinical testing. Allele origin: germline.
Comment: This sequence change replaces alanine, which is neutral and non-polar, with glycine, which is neutral and non-polar, at codon 387 of the SH3BP2 protein (p.Ala387Gly). This variant is not present in population databases (gnomAD no frequency). This variant has not been reported in the literature in individuals affected with SH3BP2-related conditions. Algorithms developed to predict the effect of missense changes on protein structure and function output the following: SIFT: "Not Available"; PolyPhen-2: "Benign"; Align-GVGD: "Not Available". The glycine amino acid residue is found in multiple mammalian species, which suggests that this missense change does not adversely affect protein function. In summary, the available evidence is currently insufficient to determine the role of this variant in disease. Therefore, it has been classified as a Variant of Uncertain Significance.